The following is an entry in ClinVar:

ClinVar aggregate classification (germline): Likely pathogenic (1 of 4 stars; one submission).

Conditions:
Hereditary cancer-predisposing syndrome. Also called: Neoplastic Syndromes, Hereditary; Tumor predisposition; Hereditary Cancer Syndrome; Hereditary neoplastic syndrome. Identifiers: Orphanet 140162, MedGen C0027672, MeSH D009386, MONDO:0015356.

Submission:

Ambry Genetics
Classification: Likely pathogenic for Hereditary cancer-predisposing syndrome. Last evaluated: 2026-06-01. Review status: criteria provided, single submitter. Criteria: Ambry Variant Classification Scheme 2023. Collection method: clinical testing. Allele origin: germline.
Comment: The p.R361P variant (also known as c.1082G>C), located in coding exon 8 of the BMPR1A gene, results from a G to C substitution at nucleotide position 1082. The arginine at codon 361 is replaced by proline, an amino acid with dissimilar properties. This variant was reported in individual(s) with features consistent with BMPR1A-related juvenile polyposis syndrome (Ambry internal data). This amino acid position is highly conserved in available vertebrate species. In addition, this alteration is predicted to be deleterious by in silico analysis. This variant is considered to be rare based on population cohorts in the Genome Aggregation Database (gnomAD). Based on the majority of available evidence to date, this variant is likely to be pathogenic.

NM_004329.3(BMPR1A):c.1082G>C (p.Arg361Pro)

Gene: BMPR1A (bone morphogenetic protein receptor type 1A; plus strand). Cytogenetic location: 10q23.2.
Variant type: single nucleotide variant.
Coding change: c.1082G>C on transcript NM_004329.3 (MANE Select); coding-DNA position 1082, G replaced by C.
Protein change: p.Arg361Pro; replaces arginine 361 with proline.
Molecular consequence: missense variant. On other transcripts: non-coding transcript variant (3).
Genome position (GRCh38, 1-based): chr10:86,919,385, G>C. VCF-style: chr10-86919385-G-C. GRCh37 (hg19) VCF-style: chr10-88679142-G-C.
Other names: c.1157G>C, p.Arg386Pro (NM_001406559.1); c.1130G>C, p.Arg377Pro (NM_001406560.1); c.1082G>C, p.Arg361Pro (NM_001406561.1, NM_001406562.1, NM_001406563.1 and 19 more transcripts); c.1076G>C, p.Arg359Pro (NM_001406583.1); c.998G>C, p.Arg333Pro (NM_001406584.1, NM_001406585.1, NM_001406586.1 and 2 more transcripts); c.740G>C, p.Arg247Pro (NM_001406589.1); short protein forms R247P, R333P, R359P, R361P, R377P, R386P.
Identifiers: ClinVar variation 4867563 (VCV004867563.1).